The following is an entry in ClinVar:

NM_002439.5(MSH3):c.251A>G (p.Asp84Gly)

Gene: MSH3 (mutS homolog 3; plus strand). Cytogenetic location: 5q14.1.
Variant type: single nucleotide variant.
Coding change: c.251A>G on transcript NM_002439.5 (MANE Select); coding-DNA position 251, A replaced by G.
Protein change: p.Asp84Gly; replaces aspartic acid 84 with glycine.
Molecular consequence: missense variant.
Genome position (GRCh38, 1-based): chr5:80,656,424, A>G. VCF-style: chr5-80656424-A-G. GRCh37 (hg19) VCF-style: chr5-79952243-A-G.
Other names: c.251A>G (NM_002439.3); short protein forms D84G.
Identifiers: ClinVar variation 2078557 (VCV002078557.5), dbSNP rs2112801552, ClinGen allele CA360266135.

ClinVar aggregate classification (germline): Uncertain significance. Review status: criteria provided, multiple submitters, no conflicts (2 of 4 stars). 2 submissions from 2 submitters: Uncertain significance (2). Last evaluated 2025-06-27.

Conditions:
Hereditary cancer-predisposing syndrome. Also called: Hereditary Cancer Syndrome; Tumor predisposition; Hereditary neoplastic syndrome; Neoplastic Syndromes, Hereditary. Identifiers: Orphanet 140162, MedGen C0027672, MeSH D009386, MONDO:0015356.

Submissions (2):

Ambry Genetics
Classification: Uncertain significance for Hereditary cancer-predisposing syndrome. Last evaluated: 2025-06-27. Review status: criteria provided, single submitter. Criteria: Ambry Variant Classification Scheme 2023. Collection method: clinical testing. Allele origin: germline.
Comment: The p.D84G variant (also known as c.251A>G), located in coding exon 2 of the MSH3 gene, results from an A to G substitution at nucleotide position 251. The aspartic acid at codon 84 is replaced by glycine, an amino acid with similar properties. This amino acid position is conserved. In addition, this alteration is predicted to be tolerated by in silico analysis. Based on the available evidence, the clinical significance of this variant remains unclear.

Labcorp Genetics (formerly Invitae), Labcorp
Classification: Uncertain significance. Last evaluated: 2022-01-11. Review status: criteria provided, single submitter. Criteria: Invitae Variant Classification Sherloc (09022015). Collection method: clinical testing. Allele origin: germline.
Comment: This variant has not been reported in the literature in individuals affected with MSH3-related conditions. In summary, the available evidence is currently insufficient to determine the role of this variant in disease. Therefore, it has been classified as a Variant of Uncertain Significance. Algorithms developed to predict the effect of missense changes on protein structure and function output the following: SIFT: "Tolerated"; PolyPhen-2: "Benign"; Align-GVGD: "Class C0". The glycine amino acid residue is found in multiple mammalian species, which suggests that this missense change does not adversely affect protein function. This variant is not present in population databases (gnomAD no frequency). This sequence change replaces aspartic acid, which is acidic and polar, with glycine, which is neutral and non-polar, at codon 84 of the MSH3 protein (p.Asp84Gly).